The following is an entry in ClinVar:

NM_000760.4(CSF3R):c.820C>T (p.Arg274Cys)

Gene: CSF3R (colony stimulating factor 3 receptor; minus strand). Cytogenetic location: 1p34.3.
Variant type: single nucleotide variant.
Coding change: c.820C>T on transcript NM_000760.4 (MANE Select); coding-DNA position 820, C replaced by T.
Protein change: p.Arg274Cys; replaces arginine 274 with cysteine.
Molecular consequence: missense variant.
Genome position (GRCh38, 1-based): chr1:36,472,540, G>A on the plus strand (C>T on the coding strand, the complement: CSF3R is on the minus strand). VCF-style: chr1-36472540-G-A. GRCh37 (hg19) VCF-style: chr1-36938141-G-A.
Other names: c.820C>T, p.Arg274Cys (NM_156039.3, NM_172313.3); short protein forms R274C.
Identifiers: ClinVar variation 1337893 (VCV001337893.6), dbSNP rs759587248, ClinGen allele CA769380.

ClinVar aggregate classification (germline): Uncertain significance. Review status: criteria provided, multiple submitters, no conflicts (2 of 4 stars). 2 submissions from 2 submitters: Uncertain significance (2). Last evaluated 2025-06-04.

Conditions:
Autosomal recessive severe congenital neutropenia due to CSF3R deficiency. Also called: Neutropenia, severe congenital, 7, autosomal recessive. Identifiers: Orphanet 420702, MedGen C4310764, MONDO:0014865, OMIM 617014.

Allele frequency attached by ClinVar (database versions not stated): gnomAD exomes 0.00001; ExAC 0.00001.
gnomAD v4.1: 11 of 1,614,164 alleles (0.00068%); highest among the groups gnomAD compares: Admixed American, 0.0083%; no homozygotes.

Submissions (2):

Labcorp Genetics (formerly Invitae), Labcorp
Classification: Uncertain significance for Autosomal recessive severe congenital neutropenia due to CSF3R deficiency. Last evaluated: 2025-06-04. Review status: criteria provided, single submitter. Criteria: Invitae Variant Classification Sherloc (09022015). Collection method: clinical testing. Allele origin: germline.
Comment: This sequence change replaces arginine, which is basic and polar, with cysteine, which is neutral and slightly polar, at codon 274 of the CSF3R protein (p.Arg274Cys). This variant is present in population databases (rs759587248, gnomAD 0.009%). This variant has not been reported in the literature in individuals affected with CSF3R-related conditions. ClinVar contains an entry for this variant (Variation ID: 1337893). An algorithm developed to predict the effect of missense changes on protein structure and function (PolyPhen-2) suggests that this variant is likely to be tolerated. In summary, the available evidence is currently insufficient to determine the role of this variant in disease. Therefore, it has been classified as a Variant of Uncertain Significance.

Genetic Services Laboratory, University of Chicago
Classification: Uncertain significance. Last evaluated: 2021-04-09. Review status: criteria provided, single submitter. Criteria: ACMG Guidelines, 2015. Collection method: clinical testing. Allele origin: germline. Affected: no.
Comment: DNA sequence analysis of the CSF3R gene demonstrated a sequence change, c.820C>T, in exon 7 that results in an amino acid change, p.Arg274Cys. This sequence change has been described gnomAD with a frequency of 0.0087% in the Latino sub-population (dbSNP rs759587248). The p.Arg274Cys change affects a poorly conserved amino acid residue located in a domain of the CSF3R protein that is known to be functional. The p.Arg274Cys substitution appears to be benign using several in-silico pathogenicity prediction tools (SIFT, PolyPhen2, Align GVGD, REVEL). This sequence change does not appear to have been previously described in patients with CSF3R-related disorders. Due to the lack of sufficient evidences, the clinical significance of the p.Arg274Cys change remains unknown at this time.